The following is an entry in ClinVar:

NM_003322.6(TULP1):c.1103G>C (p.Gly368Ala)

Gene: TULP1 (TUB like protein 1; minus strand). Cytogenetic location: 6p21.31.
Variant type: single nucleotide variant.
Coding change: c.1103G>C on transcript NM_003322.6 (MANE Select); coding-DNA position 1103, G replaced by C.
Protein change: p.Gly368Ala; replaces glycine 368 with alanine.
Molecular consequence: missense variant.
Genome position (GRCh38, 1-based): chr6:35,505,750, C>G on the plus strand (G>C on the coding strand, the complement: TULP1 is on the minus strand). VCF-style: chr6-35505750-C-G. GRCh37 (hg19) VCF-style: chr6-35473527-C-G.
Other names: c.944G>C, p.Gly315Ala (NM_001289395.2); c.1103G>C (NM_003322.5); short protein forms G315A, G368A.
Identifiers: ClinVar variation 3678382 (VCV003678382.3).

ClinVar aggregate classification (germline): Conflicting classifications of pathogenicity. Review status: criteria provided, conflicting classifications (1 of 4 stars). 2 submissions from 2 submitters: Likely pathogenic (1); Uncertain significance (1). Last evaluated 2025-03-26.

Conditions:
TULP1-related disorder. Also called: TULP1-related condition; TULP1-related disorders.

gnomAD v4.1: 2 of 1,614,074 alleles (0.00012%); highest among the groups gnomAD compares: African/African-American, 0.0027%; no homozygotes.

Submissions (2):

PreventionGenetics, part of Exact Sciences
Classification: Uncertain significance for TULP1-related condition. Last evaluated: 2025-03-26. Review status: criteria provided, single submitter. Criteria: ACMG Guidelines, 2015. Collection method: clinical testing. Allele origin: germline.
Comment: The TULP1 c.1103G>C variant is predicted to result in the amino acid substitution p.Gly368Ala. To our knowledge, this variant has not been reported in the literature. This variant is reported in 0.011% of alleles in individuals of African descent in gnomAD. At this time, the clinical significance of this variant is uncertain due to the absence of conclusive functional and genetic evidence.

Labcorp Genetics (formerly Invitae), Labcorp
Classification: Likely pathogenic. Last evaluated: 2024-12-12. Review status: criteria provided, single submitter. Criteria: Invitae Variant Classification Sherloc (09022015). Collection method: clinical testing. Allele origin: germline.
Comment: This sequence change replaces glycine, which is neutral and non-polar, with alanine, which is neutral and non-polar, at codon 368 of the TULP1 protein (p.Gly368Ala). This variant is present in population databases (no rsID available, gnomAD 0.01%). This variant has not been reported in the literature in individuals affected with TULP1-related conditions. Invitae Evidence Modeling of protein sequence and biophysical properties (such as structural, functional, and spatial information, amino acid conservation, physicochemical variation, residue mobility, and thermodynamic stability) indicates that this missense variant is expected to disrupt TULP1 protein function with a positive predictive value of 95%. This variant disrupts the p.Gly368 amino acid residue in TULP1. Other variant(s) that disrupt this residue have been determined to be pathogenic (PMID: 15024725, 25074776; internal data). This suggests that this residue is clinically significant, and that variants that disrupt this residue are likely to be disease-causing. In summary, the currently available evidence indicates that the variant is pathogenic, but additional data are needed to prove that conclusively. Therefore, this variant has been classified as Likely Pathogenic.

Literature cited by the submitters: PubMed 15024725 (cited by Labcorp Genetics (formerly Invitae), Labcorp); PubMed 25074776 (cited by Labcorp Genetics (formerly Invitae), Labcorp).